The following is an entry in ClinVar:

ClinVar aggregate classification (germline): Uncertain significance (1 of 4 stars; one submission).

Conditions:
Inborn genetic diseases. Identifiers: MedGen C0950123, MeSH D030342.

gnomAD v4.1: 2 of 1,614,072 alleles (0.00012%); highest among the groups gnomAD compares: Non-Finnish European, 0.00017%; no homozygotes.

Submission:

Ambry Genetics
Classification: Uncertain significance for Inborn genetic diseases. Last evaluated: 2025-12-03. Review status: criteria provided, single submitter. Criteria: Ambry Variant Classification Scheme 2023. Collection method: clinical testing. Allele origin: germline.
Comment: The p.T102I variant (also known as c.305C>T), located in coding exon 3 of the SBDS gene, results from a C to T substitution at nucleotide position 305. The threonine at codon 102 is replaced by isoleucine, an amino acid with similar properties. This amino acid position is conserved. In addition, the in silico prediction for this alteration is inconclusive. Based on the available evidence, the clinical significance of this variant remains unclear.

NM_016038.4(SBDS):c.305C>T (p.Thr102Ile)

Gene: SBDS (SBDS ribosome maturation factor; minus strand). Cytogenetic location: 7q11.21.
Variant type: single nucleotide variant.
Coding change: c.305C>T on transcript NM_016038.4 (MANE Select); coding-DNA position 305, C replaced by T.
Protein change: p.Thr102Ile; replaces threonine 102 with isoleucine.
Molecular consequence: missense variant.
Genome position (GRCh38, 1-based): chr7:66,993,371, G>A on the plus strand (C>T on the coding strand, the complement: SBDS is on the minus strand). VCF-style: chr7-66993371-G-A. GRCh37 (hg19) VCF-style: chr7-66458358-G-A.
Other names: short protein forms T102I.
Identifiers: ClinVar variation 4630245 (VCV004630245.1).